The following is an entry in ClinVar:

ClinVar aggregate classification (germline): Benign/Likely benign. Review status: criteria provided, multiple submitters, no conflicts (2 of 4 stars). 21 submissions from 20 submitters: Benign (12); Likely benign (6). 3 of the submissions do not count toward it. Last evaluated 2026-08-01.

Conditions:
Basal cell carcinoma, susceptibility to, 1. Also called: BCC1. Identifiers: MedGen C2751544, MONDO:0011556, OMIM 605462.
Basal cell nevus syndrome 1 (BCNS1). Also called: GORLIN-GOLTZ SYNDROME; MULTIPLE BASAL CELL NEVI, ODONTOGENIC KERATOCYSTS, AND SKELETAL ANOMALIES. Identifiers: MedGen CN376810, MONDO:0958174, OMIM 109400.
Holoprosencephaly 7 (HPE7). Identifiers: Orphanet 2162, MedGen C1835820, MONDO:0012562, OMIM 610828.
Hereditary cancer-predisposing syndrome. Also called: Neoplastic Syndromes, Hereditary; Tumor predisposition; Hereditary Cancer Syndrome; Hereditary neoplastic syndrome. Identifiers: Orphanet 140162, MedGen C0027672, MeSH D009386, MONDO:0015356.
Gorlin syndrome. Also called: Basal cell nevus syndrome; Nevoid Basal Cell Carcinoma Syndrome. Identifiers: Orphanet 377, MedGen C0004779, MONDO:0007187.

Allele frequency attached by ClinVar (database versions not stated): ExAC 0.00206; 1000 Genomes Project 30x 0.00625; 1000 Genomes Project 0.00539; gnomAD exomes 0.00057 and 0.00159; gnomAD 0.00678 and 0.00623; TOPMed 0.00691; ESP Exome Variant Server 0.00738.
gnomAD v4.1: 1,812 of 1,614,146 alleles (0.11%); highest among the groups gnomAD compares: African/African-American, 2.2%; 19 homozygotes.

Submissions (21):

CeGaT Center for Human Genetics Tuebingen
Classification: Benign. Last evaluated: 2026-08-01. Review status: criteria provided, single submitter. Criteria: CeGaT Center For Human Genetics Tuebingen Variant Classification Criteria Version 2. Collection method: clinical testing. Allele origin: germline. Affected: yes. Observed: 11 variant alleles.
Comment: PTCH1: BS1, BS2

Labcorp Genetics (formerly Invitae), Labcorp
Classification: Benign for Gorlin syndrome. Last evaluated: 2026-02-04. Review status: criteria provided, single submitter. Criteria: Invitae Variant Classification Sherloc (09022015). Collection method: clinical testing. Allele origin: germline.

Dasa
Classification: Benign. Last evaluated: 2025-12-18. Review status: criteria provided, single submitter. Criteria: DASA Assertion Criteria. Collection method: clinical testing. Allele origin: germline.
Comment: NM_000264.5(PTCH1):c.2183C>T (p.Thr728Met) is interpreted as benign based on a combination of available evidence, including population frequency, and observations in unaffected individuals. Based on the available data, this variant is classified as benign.

Mayo Clinic Laboratories, Mayo Clinic
Classification: Benign. Last evaluated: 2025-07-23. Review status: criteria provided, single submitter. Criteria: ACMG Guidelines, 2015. Collection method: clinical testing. Allele origin: germline. Observed: 1 variant allele.
Comment: BA1

Quest Diagnostics Nichols Institute San Juan Capistrano
Classification: Benign. Last evaluated: 2025-04-30. Review status: criteria provided, single submitter. Criteria: Quest Diagnostics criteria. Collection method: clinical testing. Allele origin: unknown.

Department of Pathology and Laboratory Medicine, Sinai Health System
Classification: Benign for Basal cell nevus syndrome 1; Basal cell carcinoma, susceptibility to, 1; Holoprosencephaly 7. Last evaluated: 2023-11-10. Review status: criteria provided, single submitter. Criteria: ACMG Guidelines, 2015. Collection method: clinical testing. Allele origin: germline. Affected: yes.

Women's Health and Genetics/Laboratory Corporation of America, LabCorp
Classification: Likely benign. Last evaluated: 2023-04-22. Review status: criteria provided, single submitter. Criteria: LabCorp Variant Classification Summary - May 2015. Collection method: clinical testing. Allele origin: germline.

Fulgent Genetics
Classification: Likely benign for Basal cell nevus syndrome 1; Basal cell carcinoma, susceptibility to, 1; Holoprosencephaly 7. Last evaluated: 2021-11-08. Review status: criteria provided, single submitter. Criteria: ACMG Guidelines, 2015. Collection method: clinical testing. Allele origin: unknown.

Genetic Services Laboratory, University of Chicago
Classification: Benign. Last evaluated: 2021-04-02. Review status: criteria provided, single submitter. Criteria: ACMG Guidelines, 2015. Collection method: clinical testing. Allele origin: germline. Affected: no.

Sema4
Classification: Benign for Hereditary cancer-predisposing syndrome. Last evaluated: 2020-07-07. Review status: criteria provided, single submitter. Criteria: Sema4 Curation Guidelines. Collection method: curation. Allele origin: germline.

GeneDx
Classification: Benign. Last evaluated: 2018-12-18. Review status: criteria provided, single submitter. Criteria: GeneDx Variant Classification (06012015). Collection method: clinical testing. Allele origin: germline. Affected: yes.
Comment: This variant is associated with the following publications: (PMID: 11941477, 20981092, 17096318, 22703879, 24728327)

Center for Pediatric Genomic Medicine, Children's Mercy Hospital and Clinics
Classification: Likely benign. Last evaluated: 2017-05-03. Review status: criteria provided, single submitter. Criteria: ACMG Guidelines, 2015. Collection method: clinical testing. Allele origin: germline.

Illumina Laboratory Services, Illumina
Classification: Likely benign for Holoprosencephaly 7. Last evaluated: 2017-04-27. Review status: criteria provided, single submitter. Criteria: ICSL Variant Classification Criteria 13 December 2019. Collection method: clinical testing. Allele origin: germline.
Comment: This variant was observed as part of a predisposition screen in an ostensibly healthy population. A literature search was performed for the gene, cDNA change, and amino acid change (where applicable). Publications were found based on this search. The evidence from the literature, in combination with allele frequency data from public databases where available, was sufficient to determine this variant is unlikely to cause disease. Therefore, this variant is classified as likely benign.

Illumina Laboratory Services, Illumina
Classification: Likely benign for Basal cell nevus syndrome 1. Last evaluated: 2017-04-27. Review status: criteria provided, single submitter. Criteria: ICSL Variant Classification Criteria 13 December 2019. Collection method: clinical testing. Allele origin: germline.
Comment: the same text as in the submission from Illumina Laboratory Services, Illumina above.

Ambry Genetics
Classification: Benign for Hereditary cancer-predisposing syndrome. Last evaluated: 2016-11-25. Review status: criteria provided, single submitter. Criteria: Ambry Variant Classification Scheme 2023. Collection method: clinical testing. Allele origin: germline.

Eurofins Ntd Llc (ga)
Classification: Benign. Last evaluated: 2013-07-08. Review status: criteria provided, single submitter. Criteria: EGL Classification Definitions 2015. Collection method: clinical testing. Allele origin: germline. Observed: 1 variant allele, 1 heterozygote.

Breakthrough Genomics
Classification: Likely benign. Review status: criteria provided, single submitter. Criteria: ACMG Guidelines, 2015. Collection method: not provided. Allele origin: germline. Inheritance: Autosomal dominant inheritance. Affected: yes.

PreventionGenetics, part of Exact Sciences
Classification: Benign. Review status: criteria provided, single submitter. Criteria: ACMG Guidelines, 2015. Collection method: clinical testing. Allele origin: germline.

ITMI
No classification provided. Condition: AllHighlyPenetrant. Last evaluated: 2013-09-19. Review status: no classification provided. Collection method: reference population. Allele origin: germline. Not counted in ClinVar's aggregate classification.
Comment: Please see associated publication for description of ethnicities

Biesecker Lab/Clinical Genomics Section, National Institutes of Health
Classification: Uncertain significance. Last evaluated: 2012-07-13. Review status: no assertion criteria provided. Collection method: research. Allele origin: germline. Affected: no. Observed: 1 variant allele. Study: ClinSeq. Not counted in ClinVar's aggregate classification.
ClinVar note: Converted during submission from variant of unknown significance to Uncertain significance.

OMIM
Classification: Pathogenic for HOLOPROSENCEPHALY 7. Last evaluated: 2006-12-01. Review status: no assertion criteria provided. Collection method: literature only. Allele origin: germline. Not counted in ClinVar's aggregate classification.

Literature cited by the submitters: PubMed 17096318 (cited by 5 submitters); PubMed 11941477 (cited by 5 submitters); PubMed 24728327 (cited by Ambry Genetics and ITMI).

NM_000264.5(PTCH1):c.2183C>T (p.Thr728Met)

Genes: PTCH1 (patched 1; minus strand), LOC100507346 (uncharacterized LOC100507346; plus strand). Cytogenetic location: 9q22.32.
Variant type: single nucleotide variant.
Coding change: c.2183C>T on transcript NM_000264.5 (MANE Select); coding-DNA position 2183, C replaced by T.
Protein change: p.Thr728Met; replaces threonine 728 with methionine.
Molecular consequence: missense variant. On other transcripts: non-coding transcript variant (2).
Genome position (GRCh38, 1-based): chr9:95,468,818, G>A on the plus strand (C>T on the coding strand, the complement: PTCH1 is on the minus strand). VCF-style: chr9-95468818-G-A. GRCh37 (hg19) VCF-style: chr9-98231100-G-A.
Other names: c.1985C>T, p.Thr662Met (NM_001083602.3); c.2180C>T, p.Thr727Met (NM_001083603.3); c.1730C>T, p.Thr577Met (NM_001083604.3, NM_001083605.3, NM_001083606.3 and 1 more transcripts); c.2027C>T, p.Thr676Met (NM_001354918.2); short protein forms T728M, T662M, T676M, T577M, T727M.
Identifiers: ClinVar variation 8222 (VCV000008222.60), dbSNP rs115556836, ClinGen allele CA145935.